The following is an entry in ClinVar:

NM_004369.4(COL6A3):c.5028C>G (p.Ile1676Met)

Gene: COL6A3 (collagen type VI alpha 3 chain; minus strand). Cytogenetic location: 2q37.3.
Variant type: single nucleotide variant.
Coding change: c.5028C>G on transcript NM_004369.4 (MANE Select); coding-DNA position 5028, C replaced by G.
Protein change: p.Ile1676Met; replaces isoleucine 1676 with methionine.
Molecular consequence: missense variant.
Genome position (GRCh38, 1-based): chr2:237,367,159, G>C on the plus strand (C>G on the coding strand, the complement: COL6A3 is on the minus strand). VCF-style: chr2-237367159-G-C. GRCh37 (hg19) VCF-style: chr2-238275802-G-C.
Other names: c.3207C>G, p.Ile1069Met (NM_057166.5); c.4410C>G, p.Ile1470Met (NM_057167.4); short protein forms I1676M, I1069M, I1470M.
Identifiers: ClinVar variation 3705862 (VCV003705862.3).

ClinVar aggregate classification (germline): Uncertain significance. Review status: criteria provided, multiple submitters, no conflicts (2 of 4 stars). 2 submissions from 2 submitters: Uncertain significance (2). Last evaluated 2024-12-24.

Conditions:
Bethlem myopathy 1A. Also called: MYOPATHY, BENIGN CONGENITAL, WITH CONTRACTURES; Bethlem myopathy 1; Bethlem Muscular Dystrophy. Identifiers: Orphanet 610, MedGen CN029274, MONDO:0024530, OMIM 158810.

gnomAD v4.1: 5 of 1,614,064 alleles (0.00031%); highest among the groups gnomAD compares: African/African-American, 0.0067%; no homozygotes.

Submissions (2):

Revvity Omics, Revvity
Classification: Uncertain significance. Last evaluated: 2024-12-24. Review status: criteria provided, single submitter. Criteria: ACMG Guidelines, 2015. Collection method: clinical testing. Allele origin: germline.

Labcorp Genetics (formerly Invitae), Labcorp
Classification: Uncertain significance for Bethlem myopathy 1A. Last evaluated: 2024-02-13. Review status: criteria provided, single submitter. Criteria: Invitae Variant Classification Sherloc (09022015). Collection method: clinical testing. Allele origin: germline.
Comment: This sequence change replaces isoleucine, which is neutral and non-polar, with methionine, which is neutral and non-polar, at codon 1676 of the COL6A3 protein (p.Ile1676Met). This variant is not present in population databases (gnomAD no frequency). This variant has not been reported in the literature in individuals affected with COL6A3-related conditions. Advanced modeling of protein sequence and biophysical properties (such as structural, functional, and spatial information, amino acid conservation, physicochemical variation, residue mobility, and thermodynamic stability) performed at Invitae indicates that this missense variant is expected to disrupt COL6A3 protein function with a positive predictive value of 80%. In summary, the available evidence is currently insufficient to determine the role of this variant in disease. Therefore, it has been classified as a Variant of Uncertain Significance.